The following is an entry in ClinVar:

ClinVar aggregate classification (germline): Uncertain significance (1 of 4 stars; one submission).

gnomAD v4.1: 3 of 1,614,108 alleles (0.00019%); highest among the groups gnomAD compares: Admixed American, 0.005%; no homozygotes.

Submission:

Labcorp Genetics (formerly Invitae), Labcorp
Classification: Uncertain significance. Last evaluated: 2025-06-12. Review status: criteria provided, single submitter. Criteria: Invitae Variant Classification Sherloc (09022015). Collection method: clinical testing. Allele origin: germline.
Comment: This sequence change replaces glutamic acid, which is acidic and polar, with valine, which is neutral and non-polar, at codon 181 of the COL7A1 protein (p.Glu181Val). This variant is present in population databases (no rsID available, gnomAD 0.006%). This variant has not been reported in the literature in individuals affected with COL7A1-related conditions. Invitae Evidence Modeling of protein sequence and biophysical properties (such as structural, functional, and spatial information, amino acid conservation, physicochemical variation, residue mobility, and thermodynamic stability) indicates that this missense variant is not expected to disrupt COL7A1 protein function with a negative predictive value of 95%. In summary, the available evidence is currently insufficient to determine the role of this variant in disease. Therefore, it has been classified as a Variant of Uncertain Significance.

NM_000094.4(COL7A1):c.542A>T (p.Glu181Val)

Gene: COL7A1 (collagen type VII alpha 1 chain; minus strand). Cytogenetic location: 3p21.31.
Variant type: single nucleotide variant.
Coding change: c.542A>T on transcript NM_000094.4 (MANE Select); coding-DNA position 542, A replaced by T.
Protein change: p.Glu181Val; replaces glutamic acid 181 with valine.
Molecular consequence: missense variant.
Genome position (GRCh38, 1-based): chr3:48,593,242, T>A on the plus strand (A>T on the coding strand, the complement: COL7A1 is on the minus strand). VCF-style: chr3-48593242-T-A. GRCh37 (hg19) VCF-style: chr3-48630675-T-A.
Other names: short protein forms E181V.
Identifiers: ClinVar variation 4751421 (VCV004751421.1).